The following is an entry in ClinVar:

ClinVar aggregate classification (germline): Benign/Likely benign. Review status: criteria provided, multiple submitters, no conflicts (2 of 4 stars). 2 submissions from 2 submitters: Benign (1); Likely benign (1). Last evaluated 2024-03-27.

Conditions:
Familial adenomatous polyposis 1 (FAP1). Also called: POLYPOSIS, ADENOMATOUS INTESTINAL; FAMILIAL ADENOMATOUS POLYPOSIS 1, ATTENUATED. Identifiers: MedGen C2713442, MONDO:0021056, OMIM 175100. Disease mechanism: loss of function.

Allele frequency attached by ClinVar (database versions not stated): ExAC 0.00001; gnomAD 0.00001; gnomAD exomes 0.00001; 1000 Genomes Project 30x 0.00016; 1000 Genomes Project 0.00020.
gnomAD v4.1: 4 of 1,614,124 alleles (0.00025%); highest among the groups gnomAD compares: East Asian, 0.0089%; no homozygotes.

Submissions (2):

Myriad Genetics, Inc.
Classification: Benign for Familial adenomatous polyposis 1. Last evaluated: 2024-03-27. Review status: criteria provided, single submitter. Criteria: Myriad Autosomal Dominant, Autosomal Recessive and X-Linked Classification Criteria (2023). Collection method: clinical testing. Allele origin: unknown.
Comment: This variant is considered benign. This variant is a silent/synonymous amino acid change and it is not expected to impact splicing.

Labcorp Genetics (formerly Invitae), Labcorp
Classification: Likely benign for Familial adenomatous polyposis 1. Last evaluated: 2022-03-31. Review status: criteria provided, single submitter. Criteria: Invitae Variant Classification Sherloc (09022015). Collection method: clinical testing. Allele origin: germline.

NM_000038.6(APC):c.4785C>G (p.Ala1595=)

Gene: APC (APC regulator of Wnt signaling pathway; plus strand). Cytogenetic location: 5q22.2.
Variant type: single nucleotide variant.
Coding change: c.4785C>G on transcript NM_000038.6 (MANE Select); coding-DNA position 4785, C replaced by G.
Protein change: p.Ala1595=; no amino-acid change (alanine 1595 retained).
Molecular consequence: synonymous variant. On other transcripts: non-coding transcript variant (2).
Genome position (GRCh38, 1-based): chr5:112,840,379, C>G. VCF-style: chr5-112840379-C-G. GRCh37 (hg19) VCF-style: chr5-112176076-C-G.
Other names: c.4785C>G, p.Ala1595= (NM_001127510.3, NM_001354895.2, NM_001407450.1); c.4731C>G, p.Ala1577= (NM_001127511.3); c.4839C>G, p.Ala1613= (NM_001354896.2, NM_001407447.1, NM_001407448.1 and 1 more transcripts); c.4815C>G, p.Ala1605= (NM_001354897.2); c.4710C>G, p.Ala1570= (NM_001354898.2); c.4701C>G, p.Ala1567= (NM_001354899.2); c.4662C>G, p.Ala1554= (NM_001354900.2); c.4608C>G, p.Ala1536= (NM_001354901.2, NM_001407453.1); and 11 more.
Identifiers: ClinVar variation 2119733 (VCV002119733.5), dbSNP rs201287984, ClinGen allele CA039885.